The following is an entry in ClinVar:

ClinVar aggregate classification (germline): Uncertain significance (1 of 4 stars; one submission).

Submission:

Labcorp Genetics (formerly Invitae), Labcorp
Classification: Uncertain significance. Last evaluated: 2022-11-25. Review status: criteria provided, single submitter. Criteria: Invitae Variant Classification Sherloc (09022015). Collection method: clinical testing. Allele origin: germline.
Comment: This variant is not present in population databases (gnomAD no frequency). This sequence change replaces aspartic acid, which is acidic and polar, with alanine, which is neutral and non-polar, at codon 637 of the COL9A2 protein (p.Asp637Ala). In summary, the available evidence is currently insufficient to determine the role of this variant in disease. Therefore, it has been classified as a Variant of Uncertain Significance. Advanced modeling of protein sequence and biophysical properties (such as structural, functional, and spatial information, amino acid conservation, physicochemical variation, residue mobility, and thermodynamic stability) performed at Invitae indicates that this missense variant is not expected to disrupt COL9A2 protein function. This variant has not been reported in the literature in individuals affected with COL9A2-related conditions.

NM_001852.4(COL9A2):c.1910A>C (p.Asp637Ala)

Gene: COL9A2 (collagen type IX alpha 2 chain; minus strand). Cytogenetic location: 1p34.2.
Variant type: single nucleotide variant.
Coding change: c.1910A>C on transcript NM_001852.4 (MANE Select); coding-DNA position 1910, A replaced by C.
Protein change: p.Asp637Ala; replaces aspartic acid 637 with alanine.
Molecular consequence: missense variant.
Genome position (GRCh38, 1-based): chr1:40,301,342, T>G on the plus strand (A>C on the coding strand, the complement: COL9A2 is on the minus strand). VCF-style: chr1-40301342-T-G. GRCh37 (hg19) VCF-style: chr1-40767014-T-G.
Other names: short protein forms D637A.
Identifiers: ClinVar variation 2816592 (VCV002816592.3), dbSNP rs2522467678, ClinGen allele CA339874257.